The following is an entry in ClinVar:

ClinVar aggregate classification (germline): Uncertain significance (1 of 4 stars; one submission).

Conditions:
Hypertrophic cardiomyopathy. Also called: HYPERTROPHIC MYOCARDIOPATHY. Identifiers: Orphanet 217569, MedGen C0007194, MeSH D002312, MONDO:0005045, HP:0001639.
Primary dilated cardiomyopathy (DCM). Also called: Dilated Cardiomyopathy. Identifiers: Orphanet 217604, MedGen C0007193, MeSH D002311, MONDO:0005021, HP:0001644. Inheritance: Various modes of inheritance.

Submission:

Labcorp Genetics (formerly Invitae), Labcorp
Classification: Uncertain significance for Hypertrophic cardiomyopathy; Primary dilated cardiomyopathy. Last evaluated: 2025-06-18. Review status: criteria provided, single submitter. Criteria: Invitae Variant Classification Sherloc (09022015). Collection method: clinical testing. Allele origin: germline.
Comment: This sequence change creates a premature translational stop signal (p.Cys143Trpfs*14) in the PDLIM3 gene. It is expected to result in an absent or disrupted protein product. However, the current clinical and genetic evidence is not sufficient to establish whether loss-of-function variants in PDLIM3 cause disease. This variant is not present in population databases (gnomAD no frequency). This variant has not been reported in the literature in individuals affected with PDLIM3-related conditions. In summary, the available evidence is currently insufficient to determine the role of this variant in disease. Therefore, it has been classified as a Variant of Uncertain Significance.

NM_014476.6(PDLIM3):c.429_430del (p.Cys143fs)

Gene: PDLIM3 (PDZ and LIM domain 3; minus strand). Cytogenetic location: 4q35.1.
Variant type: Microsatellite.
Coding change: c.429_430del on transcript NM_014476.6 (MANE Select); coding-DNA positions 429 to 430, 2 bases deleted (TG; older notation c.429_430delTG).
Protein change: p.Cys143fs; shifts the reading frame from cysteine 143.
Molecular consequence: frameshift variant. On other transcripts: intron variant (3).
Genome position (GRCh38, 1-based): chr4:185,508,531-185,508,532, CA deleted on the plus strand (TG on the coding strand, the reverse complement: PDLIM3 is on the minus strand); deleting any 2 consecutive bases within chr4:185,508,531-185,508,534 gives the same sequence; the c. name uses the placement nearest the transcript's 3' end. VCF-style (leftmost placement, unchanged base first): chr4-185508530-CCA-C. GRCh37 (hg19) VCF-style: chr4-186429684-CCA-C.
Other names: c.162-1880_162-1879del (NM_001257963.2); c.399-1880_399-1879del (NM_001257962.2); c.519-1880_519-1879del (NM_001114107.5); short protein forms C143fs.
Identifiers: ClinVar variation 4785334 (VCV004785334.1).